The following is an entry in ClinVar:

ClinVar aggregate classification (germline): Likely pathogenic (1 of 4 stars; one submission).

Submission:

GeneDx
Classification: Likely pathogenic. Last evaluated: 2024-08-14. Review status: criteria provided, single submitter. Criteria: GeneDx Variant Classification Process June 2021. Collection method: clinical testing. Allele origin: germline. Affected: yes.
Comment: Not observed at significant frequency in large population cohorts (gnomAD); In silico analysis supports that this missense variant has a deleterious effect on protein structure/function; Has not been previously published as pathogenic or benign to our knowledge; This variant is associated with the following publications: (PMID: 27311832)

NM_004380.3(CREBBP):c.5175C>G (p.Asp1725Glu)

Gene: CREBBP (CREB binding protein; minus strand). Cytogenetic location: 16p13.3.
Variant type: single nucleotide variant.
Coding change: c.5175C>G on transcript NM_004380.3 (MANE Select); coding-DNA position 5175, C replaced by G.
Protein change: p.Asp1725Glu; replaces aspartic acid 1725 with glutamic acid.
Molecular consequence: missense variant.
Genome position (GRCh38, 1-based): chr16:3,729,872, G>C on the plus strand (C>G on the coding strand, the complement: CREBBP is on the minus strand). VCF-style: chr16-3729872-G-C. GRCh37 (hg19) VCF-style: chr16-3779873-G-C.
Other names: c.5061C>G, p.Asp1687Glu (NM_001079846.1); short protein forms D1725E, D1687E.
Identifiers: ClinVar variation 3730890 (VCV003730890.1).